The following is an entry in ClinVar:

NM_001040142.2(SCN2A):c.4437G>T (p.Gln1479His)

Gene: SCN2A (sodium voltage-gated channel alpha subunit 2; plus strand). Cytogenetic location: 2q24.3.
Variant type: single nucleotide variant.
Coding change: c.4437G>T on transcript NM_001040142.2 (MANE Select); coding-DNA position 4437, G replaced by T.
Protein change: p.Gln1479His; replaces glutamine 1479 with histidine.
Molecular consequence: missense variant.
Genome position (GRCh38, 1-based): chr2:165,380,720, G>T. VCF-style: chr2-165380720-G-T. GRCh37 (hg19) VCF-style: chr2-166237230-G-T.
Other names: c.4437G>T, p.Gln1479His (NM_001040143.2, NM_001371246.1, NM_001371247.1 and 1 more transcripts); short protein forms Q1479H.
Identifiers: ClinVar variation 1180106 (VCV001180106.2), dbSNP rs2105384764, ClinGen allele CA349034362.

ClinVar aggregate classification (germline): Likely pathogenic (1 of 4 stars; one submission).

Submission:

GeneDx
Classification: Likely pathogenic. Last evaluated: 2019-05-03. Review status: criteria provided, single submitter. Criteria: GeneDx Variant Classification Process June 2021. Collection method: clinical testing. Allele origin: germline. Affected: yes.
Comment: Not observed in large population cohorts (Lek et al., 2016); The majority of missense variants in this gene are considered pathogenic (Stenson et al., 2014); In silico analysis, which includes protein predictors and evolutionary conservation, supports a deleterious effect; This substitution is predicted to be in the cytoplasmic loop between the third and fourth homologous domains; Has not been previously published as pathogenic or benign to our knowledge